The following is an entry in ClinVar:

ClinVar aggregate classification (germline): Pathogenic (1 of 4 stars; one submission).

Conditions:
Brittle cornea syndrome 1 (BCS1). Also called: CORNEAL FRAGILITY, KERATOGLOBUS, BLUE SCLERAE, JOINT HYPEREXTENSIBILITY; EDS6B; FRAGILITAS OCULI WITH JOINT HYPEREXTENSIBILITY; Corneal fragility keratoglobus, blue sclerae AND joint hypermobility; DYSGENESIS MESODERMALIS CORNEAE ET SCLERAE. Identifiers: Orphanet 90354, MedGen C0268344, MONDO:0024543, OMIM 229200.

Submission:

Women's Health and Genetics/Laboratory Corporation of America, LabCorp
Classification: Pathogenic for Brittle cornea syndrome 1. Last evaluated: 2025-09-15. Review status: criteria provided, single submitter. Criteria: LabCorp Variant Classification Summary - May 2015. Collection method: clinical testing. Allele origin: germline.
Comment: Variant summary: The variant involves the deletion of exon 3 in the ZNF469 gene. A presumed nomenclature of c.(-127+1_-126-1)_(*1422_?)del has been designated for the purposes of this classification. This deletion includes the entire coding sequence of the gene. As the exact proximal and distal breakpoints are unknown, it may extend beyond the annotated region of the gene to include other flanking genes. The variant was absent in 21694 control chromosomes. To our knowledge, no occurrence of c.(-127+1_-126-1)_(*1422_?)del in individuals affected with ZNF469-related conditions and no experimental evidence demonstrating its impact on protein function have been reported. ClinVar contains an entry for a similar deletion (Variation ID: 2423761). Based on the evidence outlined above, the variant was classified as pathogenic.

NC_000016.9:g.(88491280_88493752)_(88507162_?)del

Gene: ZNF469 (zinc finger protein 469; plus strand). Cytogenetic location: 16q24.2.
Variant type: Deletion.
Identifiers: ClinVar variation 4535533 (VCV004535533.1).